The following is an entry in ClinVar:

NM_078480.3(PUF60):c.267G>C (p.Ala89=)

Gene: PUF60 (poly(U) binding splicing factor 60; minus strand). Cytogenetic location: 8q24.3.
Variant type: single nucleotide variant.
Coding change: c.267G>C on transcript NM_078480.3 (MANE Select); coding-DNA position 267, G replaced by C.
Protein change: p.Ala89=; no amino-acid change (alanine 89 retained).
Molecular consequence: synonymous variant.
Genome position (GRCh38, 1-based): chr8:143,821,627, C>G on the plus strand (G>C on the coding strand, the complement: PUF60 is on the minus strand). VCF-style: chr8-143821627-C-G. GRCh37 (hg19) VCF-style: chr8-144903797-C-G.
Other names: c.138G>C, p.Ala46= (NM_001136033.3, NM_001271100.2); c.264G>C, p.Ala88= (NM_001271096.2, NM_001271098.2); c.180G>C, p.Ala60= (NM_001271097.2, NM_001271099.2); c.378G>C, p.Ala126= (NM_001362895.2, NM_001362896.2, NM_001362897.2); c.267G>C, p.Ala89= (NM_014281.5).
Identifiers: ClinVar variation 3771311 (VCV003771311.13).

ClinVar aggregate classification (germline): Likely benign (1 of 4 stars; one submission).

gnomAD v4.1: 39 of 1,545,386 alleles (0.0025%); highest among the groups gnomAD compares: Non-Finnish European, 0.0024%; no homozygotes.

Submission:

CeGaT Center for Human Genetics Tuebingen
Classification: Likely benign. Last evaluated: 2025-01-01. Review status: criteria provided, single submitter. Criteria: CeGaT Center For Human Genetics Tuebingen Variant Classification Criteria Version 2. Collection method: clinical testing. Allele origin: germline. Affected: yes. Observed: 1 variant allele.
Comment: PUF60: BP4, BP7